The following is an entry in ClinVar:

ClinVar aggregate classification (germline): Uncertain significance (1 of 4 stars; one submission).

Allele frequency attached by ClinVar (database versions not stated): gnomAD exomes below 0.00001; TOPMed below 0.00001.
gnomAD v4.1: 1 of 1,613,378 alleles (0.000062%); highest among the groups gnomAD compares: Middle Eastern, 0.017%; no homozygotes.

Submission:

Labcorp Genetics (formerly Invitae), Labcorp
Classification: Uncertain significance. Last evaluated: 2021-11-16. Review status: criteria provided, single submitter. Criteria: Invitae Variant Classification Sherloc (09022015). Collection method: clinical testing. Allele origin: germline.
Comment: In summary, the available evidence is currently insufficient to determine the role of this variant in disease. Therefore, it has been classified as a Variant of Uncertain Significance. Algorithms developed to predict the effect of missense changes on protein structure and function (SIFT, PolyPhen-2, Align-GVGD) all suggest that this variant is likely to be tolerated. This variant has not been reported in the literature in individuals affected with MYSM1-related conditions. This variant is not present in population databases (gnomAD no frequency). This sequence change replaces aspartic acid, which is acidic and polar, with asparagine, which is neutral and polar, at codon 305 of the MYSM1 protein (p.Asp305Asn).

NM_001085487.3(MYSM1):c.913G>A (p.Asp305Asn)

Gene: MYSM1 (Myb like, SWIRM and MPN domains 1; minus strand). Cytogenetic location: 1p32.1.
Variant type: single nucleotide variant.
Coding change: c.913G>A on transcript NM_001085487.3 (MANE Select); coding-DNA position 913, G replaced by A.
Protein change: p.Asp305Asn; replaces aspartic acid 305 with asparagine.
Molecular consequence: missense variant.
Genome position (GRCh38, 1-based): chr1:58,682,131, C>T on the plus strand (G>A on the coding strand, the complement: MYSM1 is on the minus strand). VCF-style: chr1-58682131-C-T. GRCh37 (hg19) VCF-style: chr1-59147803-C-T.
Other names: short protein forms D305N.
Identifiers: ClinVar variation 1489405 (VCV001489405.6), dbSNP rs1644754920, ClinGen allele CA340526824.